The following is an entry in ClinVar:

NM_020921.4(NIN):c.2774dup (p.Ser926fs)

Gene: NIN (ninein; minus strand). Cytogenetic location: 14q22.1.
Variant type: Duplication.
Coding change: c.2774dup on transcript NM_020921.4 (MANE Select); coding-DNA position 2774, one base duplicated (T; older notation c.2774dupT).
Protein change: p.Ser926fs; shifts the reading frame from serine 926.
Molecular consequence: frameshift variant. On other transcripts: intron variant (1).
Genome position (GRCh38, 1-based): chr14:50,758,256, A duplicated on the plus strand (T on the coding strand, the reverse complement: NIN is on the minus strand). VCF-style (leftmost placement, unchanged base first): chr14-50758255-T-TA. GRCh37 (hg19) VCF-style: chr14-51224973-T-TA.
Other names: c.2774dup, p.Ser926fs (NM_182944.3, NM_182946.2); c.2399+1601dup (NM_016350.5); short protein forms S926fs.
Identifiers: ClinVar variation 2173014 (VCV002173014.4), dbSNP rs746586999, ClinGen allele CA7181864.

ClinVar aggregate classification (germline): Uncertain significance (1 of 4 stars; one submission).

Allele frequency attached by ClinVar (database versions not stated): ExAC 0.00001; gnomAD 0.00001; gnomAD exomes 0.00001; TOPMed 0.00003; ESP Exome Variant Server 0.00008.

Submission:

Labcorp Genetics (formerly Invitae), Labcorp
Classification: Uncertain significance. Last evaluated: 2025-01-28. Review status: criteria provided, single submitter. Criteria: Invitae Variant Classification Sherloc (09022015). Collection method: clinical testing. Allele origin: germline.
Comment: This sequence change creates a premature translational stop signal (p.Ser926Ilefs*2) in the NIN gene. It is expected to result in an absent or disrupted protein product. However, the current clinical and genetic evidence is not sufficient to establish whether loss-of-function variants in NIN cause disease. This variant is present in population databases (rs746586999, gnomAD 0.007%). This variant has not been reported in the literature in individuals affected with NIN-related conditions. ClinVar contains an entry for this variant (Variation ID: 2173014). In summary, the available evidence is currently insufficient to determine the role of this variant in disease. Therefore, it has been classified as a Variant of Uncertain Significance.